The following is an entry in ClinVar:

NM_005188.3(CBL):c.-126_-125insTGGCGGCGGCGGCGG

Genes: CBL (Cbl proto-oncogene; plus strand), FRA11B (fragile site, folic acid type, rare, fra(11)(q23.3); plus strand), LOC130006894 (ATAC-STARR-seq lymphoblastoid silent region 3974; plus strand). Cytogenetic location: 11q23.3.
Variant type: Insertion.
Coding change: c.-126_-125insTGGCGGCGGCGGCGG on transcript NM_005188.3; 126 bases upstream of the start codon through 125 bases upstream of the start codon, TGGCGGCGGCGGCGG inserted.
Genome position: GRCh38 VCF-style: chr11-119206289-C-CCGGTGGCGGCGGCGG. GRCh37 (hg19) VCF-style: chr11-119076999-C-CCGGTGGCGGCGGCGG.
Identifiers: ClinVar variation 4533402 (VCV004533402.6).

ClinVar aggregate classification (germline): Likely benign (1 of 4 stars; one submission).

Submission:

CeGaT Center for Human Genetics Tuebingen
Classification: Likely benign. Last evaluated: 2026-09-01. Review status: criteria provided, single submitter. Criteria: CeGaT Center For Human Genetics Tuebingen Variant Classification Criteria Version 2. Collection method: clinical testing. Allele origin: germline. Affected: yes. Observed: 7 variant alleles.
Comment: CBL: BS2